The following is an entry in ClinVar:

ClinVar aggregate classification (germline): Pathogenic (1 of 4 stars; one submission).

Conditions:
Progressive myoclonic epilepsy. Also called: Myoclonic Epilepsies, Progressive; Myoclonus epilepsy; Familial progressive myoclonic epilepsy; Progressive myoclonus epilepsy. Identifiers: Orphanet 308, Orphanet 98261, MedGen C0751778, MONDO:0020074.

Submission:

Labcorp Genetics (formerly Invitae), Labcorp
Classification: Pathogenic for Progressive myoclonic epilepsy. Last evaluated: 2021-12-02. Review status: criteria provided, single submitter. Criteria: Invitae Variant Classification Sherloc (09022015). Collection method: clinical testing. Allele origin: germline.
Comment: This sequence change creates a premature translational stop signal (p.Asp71Thrfs*3) in the GOSR2 gene. It is expected to result in an absent or disrupted protein product. Loss-of-function variants in GOSR2 are known to be pathogenic (PMID: 21549339). This variant is not present in population databases (gnomAD no frequency). This variant has not been reported in the literature in individuals affected with GOSR2-related conditions. For these reasons, this variant has been classified as Pathogenic.

Literature cited by the submitters: PubMed 21549339.

NM_004287.5(GOSR2):c.210del (p.Asp71fs)

Genes: LRRC37A2 (leucine rich repeat containing 37 member A2), GOSR2 (golgi SNAP receptor complex member 2; plus strand), LOC126862578 (BRD4-independent group 4 enhancer GRCh37_chr17:45008344-45009543; plus strand). Cytogenetic location: 17q21.32.
Variant type: Deletion.
Coding change: c.210del on transcript NM_004287.5 (MANE Select); coding-DNA position 210, one base deleted (T; older notation c.210delT).
Protein change: p.Asp71fs; shifts the reading frame from aspartic acid 71.
Molecular consequence: frameshift variant. On other transcripts: non-coding transcript variant (3).
Genome position (GRCh38, 1-based): chr17:46,932,073, T deleted; the last of 2 consecutive T bases (chr17:46,932,072-46,932,073); deleting either gives the same sequence. VCF-style (leftmost placement, unchanged base first): chr17-46932071-GT-G. GRCh37 (hg19) VCF-style: chr17-45009437-GT-G.
Other names: c.210del, p.Asp71fs (NM_001012511.3, NM_001321133.2, NM_001330252.2 and 1 more transcripts); c.156del, p.Asp53fs (NM_001321134.2, NM_001363851.2); c.207del, p.Asp70fs (NM_001353114.2, NM_001353115.2, NM_001353116.2); short protein forms D53fs, D71fs, D70fs.
Identifiers: ClinVar variation 1403169 (VCV001403169.6), dbSNP rs2146911959, ClinGen allele CA2573154129.